The following is an entry in ClinVar:

ClinVar aggregate classification (germline): Likely benign (1 of 4 stars; one submission).

Conditions:
Cohen syndrome (COH1). Also called: PEPPER SYNDROME; Cutis verticis gyrata, retinitis pigmentosa, and sensorineural deafness. Identifiers: Orphanet 193, MedGen C0265223, MONDO:0008999, OMIM 216550.

Allele frequency attached by ClinVar (database versions not stated): gnomAD 0.00010 and 0.00015; TOPMed 0.00030; 1000 Genomes Project 30x 0.00047; 1000 Genomes Project 0.00060.
gnomAD v4.1: 22 of 151,496 alleles (0.015%); highest among the groups gnomAD compares: East Asian, 0.41%; no homozygotes.

Submission:

Illumina Laboratory Services, Illumina
Classification: Likely benign for Cohen syndrome. Last evaluated: 2018-01-13. Review status: criteria provided, single submitter. Criteria: ICSL Variant Classification Criteria 13 December 2019. Collection method: clinical testing. Allele origin: germline.
Comment: This variant was observed in the ICSL laboratory as part of a predisposition screen in an ostensibly healthy population. It had not been previously curated by ICSL or reported in the Human Gene Mutation Database (HGMD: prior to June 1st, 2018), and was therefore a candidate for classification through an automated scoring system. Utilizing variant allele frequency, disease prevalence and penetrance estimates, and inheritance mode, an automated score was calculated to assess if this variant is too frequent to cause the disease. Based on the score and internal cut-off values, a variant classified as likely benign is not then subjected to further curation. The score for this variant resulted in a classification of likely benign for this disease.

NM_152564.5(VPS13B):c.*1207G>C

Gene: VPS13B (vacuolar protein sorting 13 homolog B; plus strand). Cytogenetic location: 8q22.2.
Variant type: single nucleotide variant.
Coding change: c.*1207G>C on transcript NM_152564.5 (MANE Select); 1207 bases downstream of the stop codon, G replaced by C.
Molecular consequence: 3 prime UTR variant.
Genome position (GRCh38, 1-based): chr8:99,876,873, G>C. VCF-style: chr8-99876873-G-C. GRCh37 (hg19) VCF-style: chr8-100889101-G-C.
Other names: c.*1207G>C (NM_017890.5).
Identifiers: ClinVar variation 361116 (VCV000361116.5), dbSNP rs182082022, ClinGen allele CA10631889.